The following is an entry in ClinVar:

NM_015570.4(AUTS2):c.2455G>A (p.Ala819Thr)

Gene: AUTS2 (activator of transcription and developmental regulator AUTS2; plus strand). Cytogenetic location: 7q11.22.
Variant type: single nucleotide variant.
Coding change: c.2455G>A on transcript NM_015570.4 (MANE Select); coding-DNA position 2455, G replaced by A.
Protein change: p.Ala819Thr; replaces alanine 819 with threonine.
Molecular consequence: missense variant.
Genome position (GRCh38, 1-based): chr7:70,787,355, G>A. VCF-style: chr7-70787355-G-A. GRCh37 (hg19) VCF-style: chr7-70252341-G-A.
Other names: c.2383G>A, p.Ala795Thr (NM_001127231.3); short protein forms A795T, A819T.
Identifiers: ClinVar variation 2728427 (VCV002728427.2), dbSNP rs1353332565, ClinGen allele CA367664115.

ClinVar aggregate classification (germline): Uncertain significance (1 of 4 stars; one submission).

Allele frequency attached by ClinVar (database versions not stated): gnomAD exomes 0.00001; gnomAD 0.00001; TOPMed 0.00001.
gnomAD v4.1: 20 of 1,613,932 alleles (0.0012%); highest among the groups gnomAD compares: South Asian, 0.0055%; no homozygotes.

Submission:

Labcorp Genetics (formerly Invitae), Labcorp
Classification: Uncertain significance. Last evaluated: 2025-05-01. Review status: criteria provided, single submitter. Criteria: Invitae Variant Classification Sherloc (09022015). Collection method: clinical testing. Allele origin: germline.
Comment: This sequence change replaces alanine, which is neutral and non-polar, with threonine, which is neutral and polar, at codon 819 of the AUTS2 protein (p.Ala819Thr). This variant is present in population databases (no rsID available, gnomAD 0.002%). This variant has not been reported in the literature in individuals affected with AUTS2-related conditions. ClinVar contains an entry for this variant (Variation ID: 2728427). Invitae Evidence Modeling of protein sequence and biophysical properties (such as structural, functional, and spatial information, amino acid conservation, physicochemical variation, residue mobility, and thermodynamic stability) indicates that this missense variant is not expected to disrupt AUTS2 protein function with a negative predictive value of 80%. In summary, the available evidence is currently insufficient to determine the role of this variant in disease. Therefore, it has been classified as a Variant of Uncertain Significance.